The following is an entry in ClinVar:

NM_000169.3(GLA):c.931C>G (p.Leu311Val)

Genes: GLA (galactosidase alpha; minus strand), RPL36A-HNRNPH2 (RPL36A-HNRNPH2 readthrough; plus strand). Cytogenetic location: Xq22.1.
Variant type: single nucleotide variant.
Coding change: c.931C>G on transcript NM_000169.3 (MANE Select); coding-DNA position 931, C replaced by G.
Protein change: p.Leu311Val; replaces leucine 311 with valine.
Molecular consequence: missense variant. On other transcripts: non-coding transcript variant (3), intron variant (2).
Genome position (GRCh38, 1-based): chrX:101,398,438, G>C on the plus strand (C>G on the coding strand, the complement: GLA is on the minus strand). VCF-style: chrX-101398438-G-C. GRCh37 (hg19) VCF-style: chrX-100653426-G-C.
Other names: c.1054C>G, p.Leu352Val (NM_001406747.1); c.931C>G, p.Leu311Val (NM_001406748.1); c.300+2981G>C (NM_001199973.2); c.177+6616G>C (NM_001199974.2); short protein forms L311V, L352V.
Identifiers: ClinVar variation 4087589 (VCV004087589.2).

ClinVar aggregate classification (germline): Likely pathogenic (1 of 4 stars; one submission).

Conditions:
Fabry disease. Also called: ALPHA-GALACTOSIDASE A DEFICIENCY; ANDERSON-FABRY DISEASE; CERAMIDE TRIHEXOSIDASE DEFICIENCY; GLA DEFICIENCY; HEREDITARY DYSTOPIC LIPIDOSIS; Angiokeratoma corporis diffusum. Identifiers: Orphanet 324, MedGen C0002986, MONDO:0010526, OMIM 301500, HP:0001071. Disease mechanism: Fabry disease is due to inactivating mutations in the X-linked GLA gene resulting in deficiency of the enzyme Alpha Galactosidase-A., loss of function.

Submission:

Genomenon, Inc
Classification: Likely pathogenic for Fabry disease. Last evaluated: 2026-09-08. Review status: criteria provided, single submitter. Criteria: Genomenon Sequence Variant Interpretation Standards - Updated. Collection method: curation. Allele origin: germline. Affected: yes.
Comment: GLA p.Leu311Val (c.931C>G) is a missense variant that changes the amino acid at codon 311 from Leucine to Valine. This variant has been observed in at least one proband with clinical features consistent with Fabry disease (PMID:23935525). At least one functional study has demonstrated a substantial alteration in protein function relative to the wild-type (PMID:32023956;27657681;23935525). It is absent or not present at a significant frequency in gnomAD. In silico models predict that this variant is possibly or probably damaging. In conclusion, we classify GLA p.Leu311Val (c.931C>G) as a likely pathogenic variant.

Literature cited by the submitters: PubMed 23935525; PubMed 32023956; PubMed 27657681.